The following is an entry in ClinVar:

ClinVar aggregate classification (germline): Uncertain significance (1 of 4 stars; one submission).

Allele frequency attached by ClinVar (database versions not stated): TOPMed 0.00021; ESP Exome Variant Server 0.00023; gnomAD exomes 0.00001.
gnomAD v4.1: 50 of 1,608,180 alleles (0.0031%); highest among the groups gnomAD compares: African/African-American, 0.052%; no homozygotes.

Submission:

Labcorp Genetics (formerly Invitae), Labcorp
Classification: Uncertain significance. Last evaluated: 2024-01-14. Review status: criteria provided, single submitter. Criteria: Invitae Variant Classification Sherloc (09022015). Collection method: clinical testing. Allele origin: germline.
Comment: This sequence change falls in intron 13 of the COPB2 gene. It does not directly change the encoded amino acid sequence of the COPB2 protein. It affects a nucleotide within the consensus splice site. This variant is present in population databases (rs375298424, gnomAD 0.07%), and has an allele count higher than expected for a pathogenic variant. This variant has not been reported in the literature in individuals affected with COPB2-related conditions. Variants that disrupt the consensus splice site are a relatively common cause of aberrant splicing (PMID: 17576681, 9536098). Algorithms developed to predict the effect of sequence changes on RNA splicing suggest that this variant is not likely to affect RNA splicing. In summary, the available evidence is currently insufficient to determine the role of this variant in disease. Therefore, it has been classified as a Variant of Uncertain Significance.

Literature cited by the submitters: PubMed 17576681; PubMed 9536098.

NM_004766.3(COPB2):c.1545+3A>G

Gene: COPB2 (coat protein complex I subunit beta 2; minus strand). Cytogenetic location: 3q23.
Variant type: single nucleotide variant.
Coding change: c.1545+3A>G on transcript NM_004766.3 (MANE Select); 3 bases into the intron after coding-DNA position 1545, A replaced by G.
Molecular consequence: intron variant.
Genome position (GRCh38, 1-based): chr3:139,368,142, T>C on the plus strand (A>G on the coding strand, the complement: COPB2 is on the minus strand). VCF-style: chr3-139368142-T-C. GRCh37 (hg19) VCF-style: chr3-139086984-T-C.
Other names: c.1458+3A>G (NM_001410834.1).
Identifiers: ClinVar variation 2917760 (VCV002917760.3), dbSNP rs375298424, ClinGen allele CA2641243.
Genomic context (GRCh38, chr3:139,368,142, plus strand): 5'-GTTGTAAGAATATAAATCATTTAAAAACAAAGCTGAAAGCGAAAGTTGTGCTGATGCAAT[T>C]ACCTCAAAGGCATCTTCAATGCCATCTTCAGTAACTCCCTCATGTGTTTCCTGTGCAGCC-3'